The following is an entry in ClinVar:

NM_052884.3(SIGLEC11):c.1371A>C (p.Pro457=)

Gene: SIGLEC11 (sialic acid binding Ig like lectin 11; minus strand). Cytogenetic location: 19q13.33.
Variant type: single nucleotide variant.
Coding change: c.1371A>C on transcript NM_052884.3 (MANE Select); coding-DNA position 1371, A replaced by C.
Protein change: p.Pro457=; no amino-acid change (proline 457 retained).
Molecular consequence: synonymous variant. On other transcripts: intron variant (1).
Genome position (GRCh38, 1-based): chr19:49,958,563, T>G on the plus strand (A>C on the coding strand, the complement: SIGLEC11 is on the minus strand). VCF-style: chr19-49958563-T-G. GRCh37 (hg19) VCF-style: chr19-50461820-T-G.
Other names: c.1363+80A>C (NM_001135163.1).
Identifiers: ClinVar variation 3388745 (VCV003388745.14).

ClinVar aggregate classification (germline): Likely benign (1 of 4 stars; one submission).

Submission:

CeGaT Center for Human Genetics Tuebingen
Classification: Likely benign. Last evaluated: 2024-11-01. Review status: criteria provided, single submitter. Criteria: CeGaT Center For Human Genetics Tuebingen Variant Classification Criteria Version 2. Collection method: clinical testing. Allele origin: germline. Affected: yes. Observed: 1 variant allele.
Comment: SIGLEC11: BP4, BP7